The following is an entry in ClinVar:

NM_001257096.2(PAX1):c.623A>G (p.Lys208Arg)

Gene: PAX1 (paired box 1; plus strand). Cytogenetic location: 20p11.22.
Variant type: single nucleotide variant.
Coding change: c.623A>G on transcript NM_001257096.2 (MANE Select); coding-DNA position 623, A replaced by G.
Protein change: p.Lys208Arg; replaces lysine 208 with arginine.
Molecular consequence: missense variant.
Genome position (GRCh38, 1-based): chr20:21,706,774, A>G. VCF-style: chr20-21706774-A-G. GRCh37 (hg19) VCF-style: chr20-21687412-A-G.
Other names: c.623A>G, p.Lys208Arg (NM_006192.5); short protein forms K208R.
Identifiers: ClinVar variation 1895618 (VCV001895618.2), dbSNP rs758771085, ClinGen allele CA408498370.

ClinVar aggregate classification (germline): Uncertain significance (1 of 4 stars; one submission).

Allele frequency attached by ClinVar (database versions not stated): TOPMed below 0.00001.
gnomAD v4.1: 2 of 1,613,470 alleles (0.00012%); no homozygotes.

Submission:

Labcorp Genetics (formerly Invitae), Labcorp
Classification: Uncertain significance. Last evaluated: 2022-03-14. Review status: criteria provided, single submitter. Criteria: Invitae Variant Classification Sherloc (09022015). Collection method: clinical testing. Allele origin: germline.
Comment: This sequence change replaces lysine, which is basic and polar, with arginine, which is basic and polar, at codon 208 of the PAX1 protein (p.Lys208Arg). This variant is not present in population databases (gnomAD no frequency). This variant has not been reported in the literature in individuals affected with PAX1-related conditions. Algorithms developed to predict the effect of missense changes on protein structure and function are either unavailable or do not agree on the potential impact of this missense change (SIFT: "Tolerated"; PolyPhen-2: "Probably Damaging"; Align-GVGD: "Class C0"). Algorithms developed to predict the effect of sequence changes on RNA splicing suggest that this variant may create or strengthen a splice site. In summary, the available evidence is currently insufficient to determine the role of this variant in disease. Therefore, it has been classified as a Variant of Uncertain Significance.